The following is an entry in ClinVar:

ClinVar aggregate classification (germline): Uncertain significance (1 of 4 stars; one submission).

Conditions:
Hereditary cancer-predisposing syndrome. Also called: Neoplastic Syndromes, Hereditary; Tumor predisposition; Hereditary neoplastic syndrome; Hereditary Cancer Syndrome. Identifiers: Orphanet 140162, MedGen C0027672, MeSH D009386, MONDO:0015356.

Submission:

Ambry Genetics
Classification: Uncertain significance for Hereditary cancer-predisposing syndrome. Last evaluated: 2023-02-21. Review status: criteria provided, single submitter. Criteria: Ambry Variant Classification Scheme 2023. Collection method: clinical testing. Allele origin: germline.
Comment: The p.W316C variant (also known as c.948G>C), located in coding exon 7 of the DICER1 gene, results from a G to C substitution at nucleotide position 948. The tryptophan at codon 316 is replaced by cysteine, an amino acid with highly dissimilar properties. This amino acid position is highly conserved in available vertebrate species. In addition, this alteration is predicted to be deleterious by in silico analysis. Since supporting evidence is limited at this time, the clinical significance of this alteration remains unclear.

NM_177438.3(DICER1):c.948G>C (p.Trp316Cys)

Gene: DICER1 (dicer 1, ribonuclease III; minus strand). Cytogenetic location: 14q32.13.
Variant type: single nucleotide variant.
Coding change: c.948G>C on transcript NM_177438.3 (MANE Select); coding-DNA position 948, G replaced by C.
Protein change: p.Trp316Cys; replaces tryptophan 316 with cysteine.
Molecular consequence: missense variant. On other transcripts: non-coding transcript variant (6), 5 prime UTR variant (1).
Genome position (GRCh38, 1-based): chr14:95,124,624, C>G on the plus strand (G>C on the coding strand, the complement: DICER1 is on the minus strand). VCF-style: chr14-95124624-C-G. GRCh37 (hg19) VCF-style: chr14-95590961-C-G.
Other names: c.948G>C, p.Trp316Cys (NM_001195573.1, NM_001271282.3, NM_001291628.2 and 15 more transcripts); c.666G>C, p.Trp222Cys (NM_001395686.1); c.543G>C, p.Trp181Cys (NM_001395687.1, NM_001395688.1, NM_001395689.1 and 3 more transcripts); c.381G>C, p.Trp127Cys (NM_001395691.1); c.-621G>C (NM_001395697.1); short protein forms W316C, W127C, W181C, W222C.
Identifiers: ClinVar variation 2451724 (VCV002451724.2), dbSNP rs2140208028, ClinGen allele CA390887313.